The following is an entry in ClinVar:

NM_001276345.2(TNNT2):c.406A>T (p.Arg136Trp)

Gene: TNNT2 (troponin T2, cardiac type; minus strand). Cytogenetic location: 1q32.1.
Variant type: single nucleotide variant.
Coding change: c.406A>T on transcript NM_001276345.2 (MANE Select); coding-DNA position 406, A replaced by T.
Protein change: p.Arg136Trp; replaces arginine 136 with tryptophan.
Molecular consequence: missense variant. On other transcripts: intron variant (1).
Genome position (GRCh38, 1-based): chr1:201,365,196, T>A on the plus strand (A>T on the coding strand, the complement: TNNT2 is on the minus strand). VCF-style: chr1-201365196-T-A. GRCh37 (hg19) VCF-style: chr1-201334324-T-A.
Other names: c.406A>T, p.Arg136Trp (NM_000364.4); c.376A>T, p.Arg126Trp (NM_001001430.3, NM_001001431.3, NM_001276347.2); c.361A>T, p.Arg121Trp (NM_001001432.3); c.291+414A>T (NM_001276346.2); short protein forms R126W, R136W, R121W.
Identifiers: ClinVar variation 188684 (VCV000188684.3), dbSNP rs786204405, ClinGen allele CA004411.
Genomic context (GRCh38, chr1:201,365,196, plus strand): 5'-ATGGAGGACAGACTGGGCCATCAGAGAATGTTAGGTGGGCAGACTGGACACCTACGATCC[T>A]GTCTTTGAGAGAAACGAGCTCCTCCTCCTCTTTCTTCCTGTTCTCAAAGTGAGCCTCGAT-3'
Protein context (NP_001263274.1, residues 126-146): EEEELVSLKD[Arg136Trp]IERRRAERAE

ClinVar aggregate classification (germline): Uncertain significance. Review status: criteria provided, multiple submitters, no conflicts (2 of 4 stars). 2 submissions from 2 submitters: Uncertain significance (2). Last evaluated 2026-03-05.

Conditions:
Cardiovascular phenotype. Identifiers: MedGen CN230736.
Cardiomyopathy (CMYO). Also called: Cardiomyopathies. Identifiers: Orphanet 167848, MedGen C0878544, MONDO:0004994, HP:0001638. Inheritance: Various modes of inheritance.

Allele frequency attached by ClinVar (database versions not stated): gnomAD exomes below 0.00001.
gnomAD v4.1: 2 of 1,612,698 alleles (0.00012%); highest among the groups gnomAD compares: South Asian, 0.0022%; no homozygotes.

Submissions (2):

Ambry Genetics
Classification: Uncertain significance for Cardiovascular phenotype. Last evaluated: 2026-03-05. Review status: criteria provided, single submitter. Criteria: Ambry Variant Classification Scheme 2023. Collection method: clinical testing. Allele origin: germline.
Comment: The p.R126W variant (also known as c.376A>T), located in coding exon 8 of the TNNT2 gene, results from an A to T substitution at nucleotide position 376. The arginine at codon 126 is replaced by tryptophan, an amino acid with dissimilar properties. This variant was reported in individual(s) with features consistent with hypertrophic cardiomyopathy or who had a positive family history; however, details were limited (Santos S et al. BMC Med. Genet., 2012 Mar;13:17). Note, this variant is also referred to as p.R136W (c.406A>T) in the literature. This amino acid position is highly conserved in available vertebrate species. In addition, this alteration is predicted to be deleterious by in silico analysis. Based on the available evidence, the clinical significance of this variant remains unclear.

CHEO Genetics Diagnostic Laboratory, Children's Hospital of Eastern Ontario
Classification: Uncertain significance for Cardiomyopathy. Last evaluated: 2017-12-29. Review status: criteria provided, single submitter. Criteria: ACMG Guidelines, 2015. Collection method: clinical testing. Allele origin: germline.

Literature cited by the submitters: PubMed 22429680 (cited by Ambry Genetics).